The following is an entry in ClinVar:

ClinVar aggregate classification (germline): Uncertain significance (1 of 4 stars; one submission).

Conditions:
Distal myopathy with posterior leg and anterior hand involvement. Also called: WILLIAMS DISTAL MYOPATHY. Identifiers: Orphanet 63273, MedGen C3279722, MONDO:0013550, OMIM 614065.
Hypertrophic cardiomyopathy 26. Also called: Cardiomyopathy, familial hypertrophic, 26. Identifiers: Orphanet 75249, MedGen C4310749, MONDO:0014883, OMIM 617047.
Myofibrillar myopathy 5. Also called: Filaminopathy (type); FILAMINOPATHY, AUTOSOMAL DOMINANT. Identifiers: Orphanet 171445, MedGen C1836050, MONDO:0012289, OMIM 609524.

Submission:

Labcorp Genetics (formerly Invitae), Labcorp
Classification: Uncertain significance for Distal myopathy with posterior leg and anterior hand involvement; Myofibrillar myopathy 5; Hypertrophic cardiomyopathy 26. Last evaluated: 2025-11-09. Review status: criteria provided, single submitter. Criteria: Invitae Variant Classification Sherloc (09022015). Collection method: clinical testing. Allele origin: germline.
Comment: This sequence change replaces glycine, which is neutral and non-polar, with cysteine, which is neutral and slightly polar, at codon 2711 of the FLNC protein (p.Gly2711Cys). This variant is not present in population databases (gnomAD no frequency). This variant has not been reported in the literature in individuals affected with FLNC-related conditions. ClinVar contains an entry for this variant (Variation ID: 1006346). Invitae Evidence Modeling of protein sequence and biophysical properties (such as structural, functional, and spatial information, amino acid conservation, physicochemical variation, residue mobility, and thermodynamic stability) has been performed for this missense variant. However, the output from this modeling did not meet the statistical confidence thresholds required to predict the impact of this variant on FLNC protein function. In summary, the available evidence is currently insufficient to determine the role of this variant in disease. Therefore, it has been classified as a Variant of Uncertain Significance.

NM_001458.5(FLNC):c.8131G>T (p.Gly2711Cys)

Genes: FLNC (filamin C; plus strand), FLNC-AS1 (FLNC antisense RNA 1; minus strand). Cytogenetic location: 7q32.1.
Variant type: single nucleotide variant.
Coding change: c.8131G>T on transcript NM_001458.5 (MANE Select); coding-DNA position 8131, G replaced by T.
Protein change: p.Gly2711Cys; replaces glycine 2711 with cysteine.
Molecular consequence: missense variant.
Genome position (GRCh38, 1-based): chr7:128,858,476, G>T. VCF-style: chr7-128858476-G-T. GRCh37 (hg19) VCF-style: chr7-128498530-G-T.
Other names: c.8032G>T, p.Gly2678Cys (NM_001127487.2); short protein forms G2678C, G2711C.
Identifiers: ClinVar variation 1006346 (VCV001006346.9), dbSNP rs1809165876, ClinGen allele CA369221974.